The following is an entry in ClinVar:

NM_003401.5(XRCC4):c.547G>A (p.Val183Met)

Gene: XRCC4 (X-ray repair cross complementing 4; plus strand). Cytogenetic location: 5q14.2.
Variant type: single nucleotide variant.
Coding change: c.547G>A on transcript NM_003401.5 (MANE Select); coding-DNA position 547, G replaced by A.
Protein change: p.Val183Met; replaces valine 183 with methionine.
Molecular consequence: missense variant.
Genome position (GRCh38, 1-based): chr5:83,203,616, G>A. VCF-style: chr5-83203616-G-A. GRCh37 (hg19) VCF-style: chr5-82499435-G-A.
Other names: c.547G>A, p.Val183Met (NM_001318012.3, NM_001318013.2, NM_022406.5 and 1 more transcripts); short protein forms V183M.
Identifiers: ClinVar variation 1474948 (VCV001474948.8), dbSNP rs2112728512, ClinGen allele CA360358891.

ClinVar aggregate classification (germline): Uncertain significance (1 of 4 stars; one submission).

Allele frequency attached by ClinVar (database versions not stated): gnomAD exomes below 0.00001.
gnomAD v4.1: 1 of 1,612,070 alleles (0.000062%); highest among the groups gnomAD compares: Non-Finnish European, 0.000085%; no homozygotes.

Submission:

Labcorp Genetics (formerly Invitae), Labcorp
Classification: Uncertain significance. Last evaluated: 2022-11-29. Review status: criteria provided, single submitter. Criteria: Invitae Variant Classification Sherloc (09022015). Collection method: clinical testing. Allele origin: germline.
Comment: In summary, the available evidence is currently insufficient to determine the role of this variant in disease. Therefore, it has been classified as a Variant of Uncertain Significance. Advanced modeling of protein sequence and biophysical properties (such as structural, functional, and spatial information, amino acid conservation, physicochemical variation, residue mobility, and thermodynamic stability) performed at Invitae indicates that this missense variant is expected to disrupt XRCC4 protein function. ClinVar contains an entry for this variant (Variation ID: 1474948). This variant has not been reported in the literature in individuals affected with XRCC4-related conditions. This variant is not present in population databases (gnomAD no frequency). This sequence change replaces valine with methionine at codon 183 of the XRCC4 protein (p.Val183Met). The valine residue is highly conserved and there is a small physicochemical difference between valine and methionine.